The following is an entry in ClinVar:

NM_020765.3(UBR4):c.8292T>C (p.His2764=)

Gene: UBR4 (ubiquitin protein ligase E3 component n-recognin 4; minus strand). Cytogenetic location: 1p36.13.
Variant type: single nucleotide variant.
Coding change: c.8292T>C on transcript NM_020765.3 (MANE Select); coding-DNA position 8292, T replaced by C.
Protein change: p.His2764=; no amino-acid change (histidine 2764 retained).
Molecular consequence: synonymous variant.
Genome position (GRCh38, 1-based): chr1:19,141,665, A>G on the plus strand (T>C on the coding strand, the complement: UBR4 is on the minus strand). VCF-style: chr1-19141665-A-G. GRCh37 (hg19) VCF-style: chr1-19468159-A-G.
Identifiers: ClinVar variation 4979070 (VCV004979070.1).

ClinVar aggregate classification (germline): Likely benign (1 of 4 stars; one submission).

Conditions:
UBR4-related disorder. Also called: UBR4-related condition.

gnomAD v4.1: 194 of 1,613,574 alleles (0.012%); highest among the groups gnomAD compares: Non-Finnish European, 0.0078%; no homozygotes.

Submission:

PreventionGenetics, part of Exact Sciences
Classification: Likely benign for UBR4-related condition. Last evaluated: 2026-04-16. Review status: criteria provided, single submitter. Criteria: ACMG Guidelines, 2015. Collection method: clinical testing. Allele origin: germline.
Comment: This variant is classified as likely benign based on ACMG/AMP sequence variant interpretation guidelines (Richards et al. 2015 PMID: 25741868, with internal and published modifications).